The following is an entry in ClinVar:

NM_015272.5(RPGRIP1L):c.2077A>G (p.Ile693Val)

Gene: RPGRIP1L (RPGRIP1 like; minus strand). Cytogenetic location: 16q12.2.
Variant type: single nucleotide variant.
Coding change: c.2077A>G on transcript NM_015272.5 (MANE Select); coding-DNA position 2077, A replaced by G.
Protein change: p.Ile693Val; replaces isoleucine 693 with valine.
Molecular consequence: missense variant.
Genome position (GRCh38, 1-based): chr16:53,652,610, T>C on the plus strand (A>G on the coding strand, the complement: RPGRIP1L is on the minus strand). VCF-style: chr16-53652610-T-C. GRCh37 (hg19) VCF-style: chr16-53686522-T-C.
Other names: c.2077A>G, p.Ile693Val (NM_001127897.4, NM_001308334.3, NM_001330538.2); short protein forms I693V.
Identifiers: ClinVar variation 3356573 (VCV003356573.1).

ClinVar aggregate classification (germline): Uncertain significance (0 of 4 stars; one submission).

Conditions:
RPGRIP1L-related disorder. Also called: RPGRIP1L-related condition; RPGRIP1L-related disorders. Identifiers: MedGen CN239416.

gnomAD v4.1: 4 of 1,614,092 alleles (0.00025%); highest among the groups gnomAD compares: Non-Finnish European, 0.00034%; no homozygotes.

Submission:

PreventionGenetics, part of Exact Sciences
Classification: Uncertain significance for RPGRIP1L-related condition. Last evaluated: 2024-03-12. Review status: no assertion criteria provided. Collection method: clinical testing. Allele origin: germline.
Comment: The RPGRIP1L c.2077A>G variant is predicted to result in the amino acid substitution p.Ile693Val. To our knowledge, this variant has not been reported in the literature. This variant is reported in 0.0018% of alleles in individuals of European (Non-Finnish) descent in gnomAD. At this time, the clinical significance of this variant is uncertain due to the absence of conclusive functional and genetic evidence.